The following is an entry in ClinVar:

NM_018474.6(KIZ):c.1628G>A (p.Cys543Tyr)

Genes: KIZ (kizuna centrosomal protein; plus strand), KIZ-AS1 (KIZ antisense RNA 1; minus strand). Cytogenetic location: 20p11.23.
Variant type: single nucleotide variant.
Coding change: c.1628G>A on transcript NM_018474.6 (MANE Select); coding-DNA position 1628, G replaced by A.
Protein change: p.Cys543Tyr; replaces cysteine 543 with tyrosine.
Molecular consequence: missense variant.
Genome position (GRCh38, 1-based): chr20:21,215,598, G>A. VCF-style: chr20-21215598-G-A. GRCh37 (hg19) VCF-style: chr20-21196236-G-A.
Other names: c.1319G>A, p.Cys440Tyr (NM_001163022.3); c.1229G>A, p.Cys410Tyr (NM_001163023.3); c.1481G>A, p.Cys494Tyr (NM_001276389.2); c.1574G>A, p.Cys525Tyr (NM_001352434.2); c.1265G>A, p.Cys422Tyr (NM_001352435.2); c.1286G>A, p.Cys429Tyr (NM_001352436.2); short protein forms C422Y, C429Y, C440Y, C494Y, C543Y, C410Y, C525Y.
Identifiers: ClinVar variation 1474961 (VCV001474961.3), dbSNP rs1342259128, ClinGen allele CA408491772.

ClinVar aggregate classification (germline): Uncertain significance (1 of 4 stars; one submission).

Allele frequency attached by ClinVar (database versions not stated): gnomAD exomes below 0.00001; TOPMed 0.00001.
gnomAD v4.1: 1 of 1,601,538 alleles (0.000062%); highest among the groups gnomAD compares: Non-Finnish European, 0.000085%; no homozygotes.

Submission:

Labcorp Genetics (formerly Invitae), Labcorp
Classification: Uncertain significance. Last evaluated: 2021-10-31. Review status: criteria provided, single submitter. Criteria: Invitae Variant Classification Sherloc (09022015). Collection method: clinical testing. Allele origin: germline.
Comment: This sequence change replaces cysteine, which is neutral and slightly polar, with tyrosine, which is neutral and polar, at codon 543 of the KIZ protein (p.Cys543Tyr). This variant is not present in population databases (gnomAD no frequency). This variant has not been reported in the literature in individuals affected with KIZ-related conditions. Experimental studies and prediction algorithms are not available or were not evaluated, and the functional significance of this variant is currently unknown. In summary, the available evidence is currently insufficient to determine the role of this variant in disease. Therefore, it has been classified as a Variant of Uncertain Significance.